The following is an entry in ClinVar:

NM_015378.4(VPS13D):c.12597C>T (p.Gly4199=)

Gene: VPS13D (vacuolar protein sorting 13 homolog D; plus strand). Cytogenetic location: 1p36.22.
Variant type: single nucleotide variant.
Coding change: c.12597C>T on transcript NM_015378.4 (MANE Select); coding-DNA position 12597, C replaced by T.
Protein change: p.Gly4199=; no amino-acid change (glycine 4199 retained).
Molecular consequence: synonymous variant.
Genome position (GRCh38, 1-based): chr1:12,460,331, C>T. VCF-style: chr1-12460331-C-T. GRCh37 (hg19) VCF-style: chr1-12520386-C-T.
Other names: c.12522C>T, p.Gly4174= (NM_018156.4).
Identifiers: ClinVar variation 1444444 (VCV001444444.15), dbSNP rs753979247, ClinGen allele CA604246.

ClinVar aggregate classification (germline): Likely benign. Review status: criteria provided, multiple submitters, no conflicts (2 of 4 stars). 2 submissions from 2 submitters: Likely benign (2). Last evaluated 2025-01-01.

Submissions (2):

CeGaT Center for Human Genetics Tuebingen
Classification: Likely benign. Last evaluated: 2025-01-01. Review status: criteria provided, single submitter. Criteria: CeGaT Center For Human Genetics Tuebingen Variant Classification Criteria Version 2. Collection method: clinical testing. Allele origin: germline. Affected: yes. Observed: 1 variant allele.
Comment: VPS13D: BP4, BP7

Labcorp Genetics (formerly Invitae), Labcorp
Classification: Likely benign. Last evaluated: 2024-12-07. Review status: criteria provided, single submitter. Criteria: Invitae Variant Classification Sherloc (09022015). Collection method: clinical testing. Allele origin: germline.